The following is an entry in ClinVar:

ClinVar aggregate classification (germline): Likely pathogenic. Review status: criteria provided, single submitter (1 of 4 stars). 2 submissions from 2 submitters: Likely pathogenic (1). 1 of the submissions does not count toward it. Last evaluated 2026-06-24.

Conditions:
Intellectual developmental disorder with or without epilepsy or cerebellar ataxia. Identifiers: MedGen C4748041, MONDO:0060745, OMIM 618060.

Submissions (2):

Kasturba Medical College, Manipal, Kasturba Medical College, Manipal, Manipal Academy of Higher Education, Manipal, India
Classification: Likely pathogenic for Intellectual developmental disorder with or without epilepsy or cerebellar ataxia. Last evaluated: 2026-06-24. Review status: criteria provided, single submitter. Criteria: ACMG Guidelines, 2015. Collection method: research. Allele origin: de novo. Inheritance: Autosomal dominant inheritance. Affected: yes. Observed: 1 variant allele, 1 heterozygote.
Comment: The variant c.281A>G is absent in the gnomAD (v4.1.0) population database, and in our in-house data of 4287 exomes. In-silico analysis tools (REVEL and CADD_phred) predict the variant to be damaging to the RORA protein function. This variant has been reported in ClinVar as pathogenic (VCV000549844.1) by a single submitter in association with intellectual developmental disorder with epilepsy and cerebellar ataxia (Guissart C, et al., 2018).

OMIM
Classification: Pathogenic for INTELLECTUAL DEVELOPMENTAL DISORDER WITH EPILEPSY AND CEREBELLAR ATAXIA. Last evaluated: 2018-07-27. Review status: no assertion criteria provided. Collection method: literature only. Allele origin: germline. Not counted in ClinVar's aggregate classification.

Literature cited by the submitters: PubMed 29656859 (cited by Kasturba Medical College, Manipal, Kasturba Medical College, Manipal, Manipal Academy of Higher Education, Manipal, India and OMIM).

NM_134261.3(RORA):c.281A>G (p.Lys94Arg)

Genes: RORA (RAR related orphan receptor A; minus strand), RORA-AS1 (RORA antisense RNA 1; plus strand). Cytogenetic location: 15q22.2.
Variant type: single nucleotide variant.
Coding change: c.281A>G on transcript NM_134261.3 (MANE Select); coding-DNA position 281, A replaced by G.
Protein change: p.Lys94Arg; replaces lysine 94 with arginine.
Molecular consequence: missense variant.
Genome position (GRCh38, 1-based): chr15:60,531,767, T>C on the plus strand (A>G on the coding strand, the complement: RORA is on the minus strand). VCF-style: chr15-60531767-T-C. GRCh37 (hg19) VCF-style: chr15-60823966-T-C.
Other names: c.356A>G, p.Lys119Arg (NM_002943.4); c.380A>G, p.Lys127Arg (NM_134260.3); c.116A>G, p.Lys39Arg (NM_134262.3); short protein forms K94R, K39R, K127R, K119R.
Identifiers: ClinVar variation 549844 (VCV000549844.2), dbSNP rs1555427497, ClinGen allele CA392665133.